The following is an entry in ClinVar:

NM_032409.3(PINK1):c.120T>G (p.Cys40Trp)

Gene: PINK1 (PTEN induced kinase 1; plus strand). Cytogenetic location: 1p36.12.
Variant type: single nucleotide variant.
Coding change: c.120T>G on transcript NM_032409.3 (MANE Select); coding-DNA position 120, T replaced by G.
Protein change: p.Cys40Trp; replaces cysteine 40 with tryptophan.
Molecular consequence: missense variant.
Genome position (GRCh38, 1-based): chr1:20,633,668, T>G. VCF-style: chr1-20633668-T-G. GRCh37 (hg19) VCF-style: chr1-20960161-T-G.
Other names: short protein forms C40W.
Identifiers: ClinVar variation 3907846 (VCV003907846.1).

ClinVar aggregate classification (germline): Uncertain significance (1 of 4 stars; one submission).

gnomAD v4.1: 36 of 1,364,668 alleles (0.0026%); highest among the groups gnomAD compares: South Asian, 0.064%; no homozygotes.

Submission:

GeneDx
Classification: Uncertain significance. Last evaluated: 2024-12-30. Review status: criteria provided, single submitter. Criteria: GeneDx Variant Classification Process June 2021. Collection method: clinical testing. Allele origin: germline. Affected: yes.
Comment: Not observed at significant frequency in large population cohorts (gnomAD); In silico analysis indicates that this missense variant does not alter protein structure/function; Has not been previously published as pathogenic or benign to our knowledge